The following is an entry in ClinVar:

NM_003079.5(SMARCE1):c.1079G>A (p.Gly360Asp)

Gene: SMARCE1 (SWI/SNF related BAF chromatin remodeling complex subunit E1; minus strand). Cytogenetic location: 17q21.2.
Variant type: single nucleotide variant.
Coding change: c.1079G>A on transcript NM_003079.5 (MANE Select); coding-DNA position 1079, G replaced by A.
Protein change: p.Gly360Asp; replaces glycine 360 with aspartic acid.
Molecular consequence: missense variant.
Genome position (GRCh38, 1-based): chr17:40,628,942, C>T on the plus strand (G>A on the coding strand, the complement: SMARCE1 is on the minus strand). VCF-style: chr17-40628942-C-T. GRCh37 (hg19) VCF-style: chr17-38785194-C-T.
Other names: p.Gly360Asp; short protein forms G360D.
Identifiers: ClinVar variation 239487 (VCV000239487.56), dbSNP rs142193069, ClinGen allele CA8545069.

ClinVar aggregate classification (germline): Likely benign. Review status: criteria provided, multiple submitters, no conflicts (2 of 4 stars). 9 submissions from 9 submitters: Likely benign (7). 2 of the submissions do not count toward it. Last evaluated 2026-09-01.

Conditions:
SMARCE1-related disorder. Also called: SMARCE1-related condition.
Hereditary cancer-predisposing syndrome. Also called: Hereditary neoplastic syndrome; Hereditary Cancer Syndrome; Neoplastic Syndromes, Hereditary; Tumor predisposition. Identifiers: Orphanet 140162, MedGen C0027672, MeSH D009386, MONDO:0015356.
Familial meningioma. Also called: Meningioma, familial, susceptibility to. Identifiers: Orphanet 263662, MedGen C3551915, MONDO:0011789, OMIM 607174.

Allele frequency attached by ClinVar (database versions not stated): gnomAD 0.00141 and 0.00143; ExAC 0.00143; gnomAD exomes 0.00147; TOPMed 0.00148; ESP Exome Variant Server 0.00161; 1000 Genomes Project 0.00040; 1000 Genomes Project 30x 0.00047.
gnomAD v4.1: 4,455 of 1,613,810 alleles (0.28%); highest among the groups gnomAD compares: Non-Finnish European, 0.35%; 11 homozygotes.

Submissions (9):

CeGaT Center for Human Genetics Tuebingen
Classification: Likely benign. Last evaluated: 2026-09-01. Review status: criteria provided, single submitter. Criteria: CeGaT Center For Human Genetics Tuebingen Variant Classification Criteria Version 2. Collection method: clinical testing. Allele origin: germline. Affected: yes. Observed: 20 variant alleles.
Comment: SMARCE1: BS1

Labcorp Genetics (formerly Invitae), Labcorp
Classification: Likely benign for Familial meningioma. Last evaluated: 2026-02-03. Review status: criteria provided, single submitter. Criteria: Invitae Variant Classification Sherloc (09022015). Collection method: clinical testing. Allele origin: germline.

Mayo Clinic Laboratories, Mayo Clinic
Classification: Likely benign. Last evaluated: 2025-03-31. Review status: criteria provided, single submitter. Criteria: ACMG Guidelines, 2015. Collection method: clinical testing. Allele origin: germline. Observed: 2 variant alleles.
Comment: BS1, BP4

Blueprint Genetics
Classification: Likely benign. Last evaluated: 2024-10-24. Review status: criteria provided, single submitter. Criteria: ACMG Guidelines, 2015. Collection method: clinical testing. Allele origin: germline.

GeneDx
Classification: Likely benign. Last evaluated: 2021-07-21. Review status: criteria provided, single submitter. Criteria: GeneDx Variant Classification Process June 2021. Collection method: clinical testing. Allele origin: germline. Affected: yes.
Comment: This variant is associated with the following publications: (PMID: 25169753)

Ambry Genetics
Classification: Likely benign for Hereditary cancer-predisposing syndrome. Last evaluated: 2019-03-21. Review status: criteria provided, single submitter. Criteria: Ambry Variant Classification Scheme 2023. Collection method: clinical testing. Allele origin: germline.

Genetic Services Laboratory, University of Chicago
Classification: Likely benign. Last evaluated: 2018-09-10. Review status: criteria provided, single submitter. Criteria: ACMG Guidelines, 2015. Collection method: clinical testing. Allele origin: germline. Affected: no.

PreventionGenetics, part of Exact Sciences
Classification: Likely benign for SMARCE1-related condition. Last evaluated: 2020-02-20. Review status: no assertion criteria provided. Collection method: clinical testing. Allele origin: germline. Not counted in ClinVar's aggregate classification.
Comment: This variant is classified as likely benign based on ACMG/AMP sequence variant interpretation guidelines (Richards et al. 2015 PMID: 25741868, with internal and published modifications).

Department of Pathology and Laboratory Medicine, Sinai Health System
Classification: Uncertain significance. Review status: no assertion criteria provided. Collection method: clinical testing. Allele origin: unknown. Affected: yes. Study: The Canadian Open Genetics Repository (COGR). Not counted in ClinVar's aggregate classification.
Comment: The SMARCE1 p.Gly360Asp variant was not identified in the literature nor was it identified in Cosmic. The variant was identified in dbSNP (ID: rs142193069), LOVd 3.0 and in ClinVar (classified as likely benign by Invitae and as a VUS by Genetics Services University of Chicago and Ambry Genetics). The variant was also identified in control databases in 408 of 282474 chromosomes (1 homozygous) at a frequency of 0.001444 increasing the likelihood this could be a low frequency benign variant (Genome Aggregation Database Feb 27, 2017) and was observed in the following populations: European (non-Finnish) in 328 of 128822 chromosomes (freq: 0.002546), South Asian in 35 of 30614 chromosomes (freq: 0.001143), Other in 8 of 7216 chromosomes (freq: 0.001109), Latino in 18 of 35434 chromosomes (freq: 0.000508), African in 12 of 24968 chromosomes (freq: 0.000481) and European (Finnish) in 7 of 25098 chromosomes (freq: 0.000279); it was not observed in the Ashkenazi Jewish and East Asian populations. The variant occurs outside of the splicing consensus sequence and 3 of 4 in silico or computational prediction software programs (MaxEntScan, NNSPLICE, GeneSplicer) do not predict a difference in splicing. The p.Gly360 residue is conserved in mammals and computational analyses (PolyPhen-2, SIFT, AlignGVGD, BLOSUM, MutationTaster) provide inconsistent predictions regarding the impact to the protein; this information is not very predictive of pathogenicity. In summary, based on the above information the clinical significance of this variant cannot be determined with certainty at this time. This variant is classified as a variant of uncertain significance.

Literature cited by the submitters: PubMed 25169753 (cited by Ambry Genetics).